The following is an entry in ClinVar:

ClinVar aggregate classification (germline): Benign/Likely benign. Review status: criteria provided, multiple submitters, no conflicts (2 of 4 stars). 10 submissions from 10 submitters: Benign (9); Likely benign (1). Last evaluated 2026-02-04.

Conditions:
Inborn genetic diseases. Identifiers: MedGen C0950123, MeSH D030342.
Cortical dysplasia-focal epilepsy syndrome (PTHSL1). Also called: Pitt-Hopkins-like syndrome 1. Identifiers: Orphanet 163681, Orphanet 221150, MedGen C2750246, MONDO:0012400, OMIM 610042.

Allele frequency attached by ClinVar (database versions not stated): ExAC 0.01844; gnomAD exomes 0.01957 and 0.00681; ESP Exome Variant Server 0.03391; gnomAD 0.03477 and 0.03626; 1000 Genomes Project 0.03794; 1000 Genomes Project 30x 0.03826; TOPMed 0.04208.
gnomAD v4.1: 15,488 of 1,613,978 alleles (0.96%); highest among the groups gnomAD compares: African/African-American, 9.8%; 622 homozygotes.

Submissions (10):

Labcorp Genetics (formerly Invitae), Labcorp
Classification: Benign for Cortical dysplasia-focal epilepsy syndrome. Last evaluated: 2026-02-04. Review status: criteria provided, single submitter. Criteria: Invitae Variant Classification Sherloc (09022015). Collection method: clinical testing. Allele origin: germline.

Mayo Clinic Laboratories, Mayo Clinic
Classification: Benign. Last evaluated: 2018-04-10. Review status: criteria provided, single submitter. Criteria: ACMG Guidelines, 2015. Collection method: clinical testing. Allele origin: germline. Observed: 28 variant alleles.

Illumina Laboratory Services, Illumina
Classification: Benign for Cortical dysplasia-focal epilepsy syndrome. Last evaluated: 2018-01-13. Review status: criteria provided, single submitter. Criteria: ICSL Variant Classification Criteria 13 December 2019. Collection method: clinical testing. Allele origin: germline.
Comment: This variant was observed in the ICSL laboratory as part of a predisposition screen in an ostensibly healthy population. It had not been previously curated by ICSL or reported in the Human Gene Mutation Database (HGMD: prior to June 1st, 2018), and was therefore a candidate for classification through an automated scoring system. Utilizing variant allele frequency, disease prevalence and penetrance estimates, and inheritance mode, an automated score was calculated to assess if this variant is too frequent to cause the disease. Based on the score and internal cut-off values, a variant classified as benign is not then subjected to further curation. The score for this variant resulted in a classification of benign for this disease.

Athena Diagnostics
Classification: Benign. Last evaluated: 2017-08-17. Review status: criteria provided, single submitter. Criteria: Athena Diagnostics Criteria. Collection method: clinical testing. Allele origin: germline.

Ambry Genetics
Classification: Benign for Inborn genetic diseases. Last evaluated: 2016-03-16. Review status: criteria provided, single submitter. Criteria: Ambry Variant Classification Scheme 2023. Collection method: clinical testing. Allele origin: germline.

GeneDx
Classification: Benign. Last evaluated: 2015-03-03. Review status: criteria provided, single submitter. Criteria: GeneDx Variant Classification Process June 2021. Collection method: clinical testing. Allele origin: germline. Affected: yes.

Genetic Services Laboratory, University of Chicago
Classification: Benign for AllHighlyPenetrant. Last evaluated: 2013-09-10. Review status: criteria provided, single submitter. Criteria: ACMG Guidelines, 2007. Collection method: clinical testing. Allele origin: germline. Inheritance: Autosomal recessive inheritance.

Eurofins Ntd Llc (ga)
Classification: Benign. Last evaluated: 2012-12-18. Review status: criteria provided, single submitter. Criteria: EGL Classification Definitions 2015. Collection method: clinical testing. Allele origin: germline. Observed: 1 variant allele, 1 heterozygote.

Breakthrough Genomics
Classification: Likely benign. Review status: criteria provided, single submitter. Criteria: ACMG Guidelines, 2015. Collection method: not provided. Allele origin: germline. Inheritance: Autosomal recessive inheritance. Affected: yes.

PreventionGenetics, part of Exact Sciences
Classification: Benign. Review status: criteria provided, single submitter. Criteria: ACMG Guidelines, 2015. Collection method: clinical testing. Allele origin: germline.

NM_014141.6(CNTNAP2):c.1710G>A (p.Ser570=)

Gene: CNTNAP2 (contactin associated protein 2; plus strand). Cytogenetic location: 7q35.
Variant type: single nucleotide variant.
Coding change: c.1710G>A on transcript NM_014141.6 (MANE Select); coding-DNA position 1710, G replaced by A.
Protein change: p.Ser570=; no amino-acid change (serine 570 retained).
Molecular consequence: synonymous variant.
Genome position (GRCh38, 1-based): chr7:147,485,974, G>A. VCF-style: chr7-147485974-G-A. GRCh37 (hg19) VCF-style: chr7-147183066-G-A.
Other names: p.Ser570=.
Identifiers: ClinVar variation 95557 (VCV000095557.30), dbSNP rs2286128, ClinGen allele CA148619.